The following is an entry in ClinVar:

ClinVar aggregate classification (germline): Pathogenic (1 of 4 stars; one submission).

Conditions:
Ocular cystinosis. Also called: Non-Nephropathic Cystinosis; Non-Nephropathic (Ocular) Cystinosis. Identifiers: Orphanet 213, Orphanet 411641, MedGen C2931013, MONDO:0009064, OMIM 219750.
Juvenile nephropathic cystinosis. Also called: Intermediate Cystinosis; CYSTINOSIS, LATE-ONSET JUVENILE OR ADOLESCENT NEPHROPATHIC TYPE; Later-Onset (Juvenile) Cystinosis. Identifiers: Orphanet 213, Orphanet 411634, MedGen C0268626, MONDO:0009066, OMIM 219900.
Inborn genetic diseases. Identifiers: MedGen C0950123, MeSH D030342.

Submission:

Labcorp Genetics (formerly Invitae), Labcorp
Classification: Pathogenic for Inborn genetic diseases; Ocular cystinosis; Juvenile nephropathic cystinosis. Last evaluated: 2025-06-12. Review status: criteria provided, single submitter. Criteria: Invitae Variant Classification Sherloc (09022015). Collection method: clinical testing. Allele origin: germline.
Comment: This sequence change creates a premature translational stop signal (p.Trp245*) in the CTNS gene. It is expected to result in an absent or disrupted protein product. Loss-of-function variants in CTNS are known to be pathogenic (PMID: 9537412, 27102039). This variant is not present in population databases (gnomAD no frequency). This premature translational stop signal has been observed in individual(s) with cystinosis (PMID: 24464559). ClinVar contains an entry for this variant (Variation ID: 1076859). For these reasons, this variant has been classified as Pathogenic.

Literature cited by the submitters: PubMed 9537412; PubMed 27102039; PubMed 24464559.

NM_004937.3(CTNS):c.735G>A (p.Trp245Ter)

Gene: CTNS (cystinosin, lysosomal cystine transporter; plus strand). Cytogenetic location: 17p13.2.
Variant type: single nucleotide variant.
Coding change: c.735G>A on transcript NM_004937.3 (MANE Select); coding-DNA position 735, G replaced by A.
Protein change: p.Trp245Ter; replaces tryptophan 245 with a stop codon.
Molecular consequence: nonsense.
Genome position (GRCh38, 1-based): chr17:3,658,058, G>A. VCF-style: chr17-3658058-G-A. GRCh37 (hg19) VCF-style: chr17-3561352-G-A.
Other names: c.735G>A, p.Trp245Ter (NM_001031681.3, NM_001374492.1); c.294G>A, p.Trp98Ter (NM_001374493.1, NM_001374494.1, NM_001374495.1 and 1 more transcripts); short protein forms W245*, W98*.
Identifiers: ClinVar variation 1076859 (VCV001076859.11), dbSNP rs2150925108, ClinGen allele CA397692368.